The following is an entry in ClinVar:

ClinVar aggregate classification (germline): Uncertain significance (1 of 4 stars; one submission).

Submission:

Labcorp Genetics (formerly Invitae), Labcorp
Classification: Uncertain significance. Last evaluated: 2025-06-24. Review status: criteria provided, single submitter. Criteria: Invitae Variant Classification Sherloc (09022015). Collection method: clinical testing. Allele origin: germline.
Comment: This sequence change replaces arginine, which is basic and polar, with glutamine, which is neutral and polar, at codon 142 of the CPOX protein (p.Arg142Gln). This variant is not present in population databases (gnomAD no frequency). This variant has not been reported in the literature in individuals affected with CPOX-related conditions. Invitae Evidence Modeling of protein sequence and biophysical properties (such as structural, functional, and spatial information, amino acid conservation, physicochemical variation, residue mobility, and thermodynamic stability) indicates that this missense variant is not expected to disrupt CPOX protein function with a negative predictive value of 80%. In summary, the available evidence is currently insufficient to determine the role of this variant in disease. Therefore, it has been classified as a Variant of Uncertain Significance.

NM_000097.7(CPOX):c.425G>A (p.Arg142Gln)

Gene: CPOX (coproporphyrinogen oxidase; minus strand). Cytogenetic location: 3q11.2.
Variant type: single nucleotide variant.
Coding change: c.425G>A on transcript NM_000097.7 (MANE Select); coding-DNA position 425, G replaced by A.
Protein change: p.Arg142Gln; replaces arginine 142 with glutamine.
Molecular consequence: missense variant.
Genome position (GRCh38, 1-based): chr3:98,593,080, C>T on the plus strand (G>A on the coding strand, the complement: CPOX is on the minus strand). VCF-style: chr3-98593080-C-T. GRCh37 (hg19) VCF-style: chr3-98311924-C-T.
Other names: short protein forms R142Q.
Identifiers: ClinVar variation 4742429 (VCV004742429.1).